The following is an entry in ClinVar:

NM_005660.3(SLC35A2):c.833A>G (p.Gln278Arg)

Gene: SLC35A2 (solute carrier family 35 member A2; minus strand). Cytogenetic location: Xp11.23.
Variant type: single nucleotide variant.
Coding change: c.833A>G on transcript NM_005660.3 (MANE Select); coding-DNA position 833, A replaced by G.
Protein change: p.Gln278Arg; replaces glutamine 278 with arginine.
Molecular consequence: missense variant. On other transcripts: intron variant (3).
Genome position (GRCh38, 1-based): chrX:48,905,076, T>C on the plus strand (A>G on the coding strand, the complement: SLC35A2 is on the minus strand). VCF-style: chrX-48905076-T-C. GRCh37 (hg19) VCF-style: chrX-48762353-T-C.
Other names: c.833A>G, p.Gln278Arg (NM_001042498.3); c.650A>G, p.Gln217Arg (NM_001282649.2); c.872A>G, p.Gln291Arg (NM_001282650.2); c.917A>G, p.Gln306Arg (NM_001282651.2); c.427-184A>G (NM_001282647.2, NM_001032289.3); c.355-184A>G (NM_001282648.2); short protein forms Q278R, Q306R, Q291R, Q217R.
Identifiers: ClinVar variation 3677201 (VCV003677201.2).

ClinVar aggregate classification (germline): Uncertain significance (1 of 4 stars; one submission).

Conditions:
SLC35A2-congenital disorder of glycosylation. Also called: CONGENITAL DISORDER OF GLYCOSYLATION, TYPE IIm; CDG IIm; CONGENITAL DISORDER OF GLYCOSYLATION, TYPE IIm, SOMATIC MOSAIC; EPILEPTIC ENCEPHALOPATHY, EARLY INFANTILE, 22; DEVELOPMENTAL AND EPILEPTIC ENCEPHALOPATHY 22; SLC35A2-CDG. Identifiers: Orphanet 356961, MedGen C3806688, MONDO:0010478, OMIM 300896.

Submission:

Labcorp Genetics (formerly Invitae), Labcorp
Classification: Uncertain significance for SLC35A2-congenital disorder of glycosylation. Last evaluated: 2024-03-28. Review status: criteria provided, single submitter. Criteria: Invitae Variant Classification Sherloc (09022015). Collection method: clinical testing. Allele origin: germline.
Comment: This sequence change replaces glutamine, which is neutral and polar, with arginine, which is basic and polar, at codon 278 of the SLC35A2 protein (p.Gln278Arg). This variant is not present in population databases (gnomAD no frequency). This missense change has been observed in individual(s) with clinical features of SLC35A2-related conditions (PMID: 33504798). Advanced modeling of protein sequence and biophysical properties (such as structural, functional, and spatial information, amino acid conservation, physicochemical variation, residue mobility, and thermodynamic stability) has been performed at Invitae for this missense variant, however the output from this modeling did not meet the statistical confidence thresholds required to predict the impact of this variant on SLC35A2 protein function. In summary, the available evidence is currently insufficient to determine the role of this variant in disease. Therefore, it has been classified as a Variant of Uncertain Significance.

Literature cited by the submitters: PubMed 33504798.